The following is an entry in ClinVar:

ClinVar aggregate classification (germline): Uncertain significance (1 of 4 stars; one submission).

Conditions:
LEPR-related disorder. Also called: LEPR-related condition; LEPR-related disorders.

gnomAD v4.1: 6 of 1,614,004 alleles (0.00037%); highest among the groups gnomAD compares: Non-Finnish European, 0.00051%; no homozygotes.

Submission:

PreventionGenetics, part of Exact Sciences
Classification: Uncertain significance for LEPR-related condition. Last evaluated: 2026-07-27. Review status: criteria provided, single submitter. Criteria: ACMG Guidelines, 2015. Collection method: clinical testing. Allele origin: germline.
Comment: The LEPR c.167A>C variant is predicted to result in the amino acid substitution p.Asn56Thr. To our knowledge, this variant has not been reported in the literature or in a large population database (gnomAD), indicating this variant is rare. At this time, the clinical significance of this variant is uncertain due to the absence of conclusive functional and genetic evidence.

NM_002303.6(LEPR):c.167A>C (p.Asn56Thr)

Gene: LEPR (leptin receptor; plus strand). Cytogenetic location: 1p31.3.
Variant type: single nucleotide variant.
Coding change: c.167A>C on transcript NM_002303.6 (MANE Select); coding-DNA position 167, A replaced by C.
Protein change: p.Asn56Thr; replaces asparagine 56 with threonine.
Molecular consequence: missense variant.
Genome position (GRCh38, 1-based): chr1:65,570,599, A>C. VCF-style: chr1-65570599-A-C. GRCh37 (hg19) VCF-style: chr1-66036282-A-C.
Other names: c.167A>C, p.Asn56Thr (NM_001003679.3, NM_001003680.3, NM_001198687.2 and 2 more transcripts); short protein forms N56T.
Identifiers: ClinVar variation 4994514 (VCV004994514.1).
Genomic context (GRCh38, chr1:65,570,599, plus strand): 5'-CTTGCATGCCACCAAATTCAACCTATGACTACTTCCTTTTGCCTGCTGGACTCTCAAAGA[A>C]TACTTCAAATTCGAATGGACATTATGAGACAGCTGTTGAACCTAAGTTTAATTCAAGTGG-3'
Protein context (NP_002294.2, residues 46-66): YFLLPAGLSK[Asn56Thr]TSNSNGHYET